The following is an entry in ClinVar:

ClinVar aggregate classification (germline): Uncertain significance. Review status: criteria provided, multiple submitters, no conflicts (2 of 4 stars). 2 submissions from 2 submitters: Uncertain significance (2). Last evaluated 2020-12-10.

Conditions:
Weaver syndrome (WVS). Also called: Weaver Smith syndrome; Overgrowth syndrome with accelerated skeletal maturation, unusual facies, and camptodactyly. Identifiers: Orphanet 3447, MedGen C0265210, MONDO:0010193, OMIM 277590.

Allele frequency attached by ClinVar (database versions not stated): gnomAD below 0.00001 and 0.00001; gnomAD exomes below 0.00001 and 0.00001; ExAC 0.00001; TOPMed 0.00001.

Submissions (2):

Labcorp Genetics (formerly Invitae), Labcorp
Classification: Uncertain significance for Weaver syndrome. Last evaluated: 2020-12-10. Review status: criteria provided, single submitter. Criteria: Invitae Variant Classification Sherloc (09022015). Collection method: clinical testing. Allele origin: germline.
Comment: In summary, the available evidence is currently insufficient to determine the role of this variant in disease. Therefore, it has been classified as a Variant of Uncertain Significance. Experimental studies and prediction algorithms are not available for this variant, and the functional significance of the affected amino acid(s) is currently unknown. This variant has not been reported in the literature in individuals with EZH2-related conditions. ClinVar contains an entry for this variant (Variation ID: 576972). This variant is present in population databases (rs780357774, ExAC 0.01%). This variant, c.1198_1200delAAA, results in the deletion of 1 amino acid(s) of the EZH2 protein (p.Lys400del), but otherwise preserves the integrity of the reading frame.

GeneDx
Classification: Uncertain significance. Last evaluated: 2019-06-25. Review status: criteria provided, single submitter. Criteria: GeneDx Variant Classification Process June 2021. Collection method: clinical testing. Allele origin: germline. Affected: yes.
Comment: In-frame deletion of 1 amino acid in a non-repeat region; In silico analysis, which includes protein predictors and evolutionary conservation, supports that this variant does not alter protein structure/function; Has not been previously published as pathogenic or benign to our knowledge

NM_004456.5(EZH2):c.1198_1200del (p.Lys400del)

Gene: EZH2 (enhancer of zeste 2 polycomb repressive complex 2 subunit; minus strand). Cytogenetic location: 7q36.1.
Variant type: Deletion.
Coding change: c.1198_1200del on transcript NM_004456.5 (MANE Select); coding-DNA positions 1198 to 1200, 3 bases deleted (AAA; older notation c.1198_1200delAAA).
Protein change: p.Lys400del; deletes lysine 400.
Molecular consequence: inframe deletion.
Genome position (GRCh38, 1-based): chr7:148,817,917-148,817,919, TTT deleted on the plus strand (AAA on the coding strand, the reverse complement: EZH2 is on the minus strand). VCF-style (leftmost placement, unchanged base first): chr7-148817916-CTTT-C. GRCh37 (hg19) VCF-style: chr7-148515008-CTTT-C.
Other names: c.1183_1185del, p.Lys395del (NM_001203247.2); c.1156_1158del, p.Lys386del (NM_001203248.2, NM_001203249.2); c.1066_1068del, p.Lys356del (NM_152998.3); c.1198_1200delAAA (NM_004456.4); short protein forms K400del, K386del, K356del, K395del.
Identifiers: ClinVar variation 576972 (VCV000576972.12), dbSNP rs780357774, ClinGen allele CA4547951.